The following is an entry in ClinVar:

NM_005751.5(AKAP9):c.1261C>T (p.Arg421Ter)

Gene: AKAP9 (A-kinase anchoring protein 9; plus strand). Cytogenetic location: 7q21.2.
Variant type: single nucleotide variant.
Coding change: c.1261C>T on transcript NM_005751.5 (MANE Select); coding-DNA position 1261, C replaced by T.
Protein change: p.Arg421Ter; replaces arginine 421 with a stop codon.
Molecular consequence: nonsense.
Genome position (GRCh38, 1-based): chr7:92,001,178, C>T. VCF-style: chr7-92001178-C-T. GRCh37 (hg19) VCF-style: chr7-91630492-C-T.
Other names: c.1261C>T, p.Arg421Ter (NM_147185.3); short protein forms R421*.
Identifiers: ClinVar variation 1022735 (VCV001022735.6), dbSNP rs1048028478, ClinGen allele CA161906846.

ClinVar aggregate classification (germline): Uncertain significance (1 of 4 stars; one submission).

Conditions:
Long QT syndrome (LQTS). Identifiers: MedGen C0023976, MeSH D008133, MONDO:0002442. Disease mechanism: loss of function. Inheritance: Various modes of inheritance.

Allele frequency attached by ClinVar (database versions not stated): gnomAD exomes below 0.00001; TOPMed below 0.00001.
gnomAD v4.1: 5 of 1,613,814 alleles (0.00031%); highest among the groups gnomAD compares: South Asian, 0.0011%; no homozygotes.

Submission:

Labcorp Genetics (formerly Invitae), Labcorp
Classification: Uncertain significance for Long QT syndrome. Last evaluated: 2020-06-08. Review status: criteria provided, single submitter. Criteria: Invitae Variant Classification Sherloc (09022015). Collection method: clinical testing. Allele origin: germline.
Comment: This sequence change creates a premature translational stop signal (p.Arg421*) in the AKAP9 gene. It is expected to result in an absent or disrupted protein product. This variant is not present in population databases (ExAC no frequency). This variant has not been reported in the literature in individuals with AKAP9-related conditions. The current clinical and genetic evidence is not sufficient to establish whether loss-of-function variants in AKAP9 cause disease. In summary, the available evidence is currently insufficient to determine the role of this variant in disease. Therefore, it has been classified as a Variant of Uncertain Significance.